The following is an entry in ClinVar:

NM_001378454.1(ALMS1):c.4962G>T (p.Lys1654Asn)

Gene: ALMS1 (ALMS1 centrosome and basal body associated protein; plus strand). Cytogenetic location: 2p13.1.
Variant type: single nucleotide variant.
Coding change: c.4962G>T on transcript NM_001378454.1 (MANE Select); coding-DNA position 4962, G replaced by T.
Protein change: p.Lys1654Asn; replaces lysine 1654 with asparagine.
Molecular consequence: missense variant.
Genome position (GRCh38, 1-based): chr2:73,451,489, G>T. VCF-style: chr2-73451489-G-T. GRCh37 (hg19) VCF-style: chr2-73678616-G-T.
Other names: c.4965G>T, p.Lys1655Asn (NM_015120.4); short protein forms K1655N, K1654N.
Identifiers: ClinVar variation 389386 (VCV000389386.23), dbSNP rs28730853, ClinGen allele CA1713801.

ClinVar aggregate classification (germline): Benign/Likely benign. Review status: criteria provided, multiple submitters, no conflicts (2 of 4 stars). 10 submissions from 10 submitters: Benign (8); Likely benign (1). 1 of the submissions does not count toward it. Last evaluated 2026-02-04.

Conditions:
Monogenic diabetes. Identifiers: Orphanet 183625, MedGen C3888631, MONDO:0015967.
Alstrom syndrome (ALMS). Identifiers: Orphanet 64, MedGen C0268425, MONDO:0008763, OMIM 203800.
Cardiovascular phenotype. Identifiers: MedGen CN230736.

Allele frequency attached by ClinVar (database versions not stated): gnomAD exomes 0.01268 and 0.03233; ESP Exome Variant Server 0.01393; gnomAD 0.02225 and 0.02251; ExAC 0.02722; TOPMed 0.02953; 1000 Genomes Project 0.03035; 1000 Genomes Project 30x 0.03248.
gnomAD v4.1: 21,833 of 1,614,006 alleles (1.4%); highest among the groups gnomAD compares: Admixed American, 15%; 935 homozygotes.

Submissions (10):

Labcorp Genetics (formerly Invitae), Labcorp
Classification: Benign for Alstrom syndrome. Last evaluated: 2026-02-04. Review status: criteria provided, single submitter. Criteria: Invitae Variant Classification Sherloc (09022015). Collection method: clinical testing. Allele origin: germline.

Blueprint Genetics
Classification: Benign. Last evaluated: 2024-11-26. Review status: criteria provided, single submitter. Criteria: ACMG Guidelines, 2015. Collection method: clinical testing. Allele origin: germline.

Personalized Diabetes Medicine Program, University of Maryland School of Medicine
Classification: Benign for Monogenic diabetes. Last evaluated: 2019-01-25. Review status: criteria provided, single submitter. Criteria: ACMG Guidelines, 2015. Collection method: research. Allele origin: unknown. Observed: 11 variant alleles, 11 heterozygotes.
Comment: ACMG criteria: BP4 (REVEL score 0.033 + 7 predictors, not using PP3/2 predictors), BA1 (17.7% in gnomAD latino, 3% overall MAF), BS2 (652 homozygotes in gnomAD), BP1 (missense in gene with truncating cause disease): Benign; likely in cis with the other ALMS1 variant

Ambry Genetics
Classification: Benign for Cardiovascular phenotype. Last evaluated: 2018-12-28. Review status: criteria provided, single submitter. Criteria: Ambry Variant Classification Scheme 2023. Collection method: clinical testing. Allele origin: germline.

Athena Diagnostics
Classification: Benign. Last evaluated: 2018-08-10. Review status: criteria provided, single submitter. Criteria: Athena Diagnostics Criteria. Collection method: clinical testing. Allele origin: germline.

GeneDx
Classification: Benign. Last evaluated: 2016-10-03. Review status: criteria provided, single submitter. Criteria: GeneDx Variant Classification (06012015). Collection method: clinical testing. Allele origin: germline. Affected: yes.
Comment: This variant is considered likely benign or benign based on one or more of the following criteria: it is a conservative change, it occurs at a poorly conserved position in the protein, it is predicted to be benign by multiple in silico algorithms, and/or has population frequency not consistent with disease.

Laboratory for Molecular Medicine, Mass General Brigham Personalized Medicine
Classification: Benign. Last evaluated: 2016-03-21. Review status: criteria provided, single submitter. Criteria: LMM Criteria. Collection method: clinical testing. Allele origin: germline. Observed: 19 variant alleles.
Comment: p.Lys1653Asn in exon 8 of ALMS1: This variant is not expected to have clinical s ignificance because it has been identified in 19.52% (2252/11536) of Latino chro mosomes by the Exome Aggregation Consortium (ExAC, g; dbSNP rs28730853).

Breakthrough Genomics
Classification: Benign. Review status: criteria provided, single submitter. Criteria: ACMG Guidelines, 2015. Collection method: not provided. Allele origin: germline. Inheritance: Autosomal recessive inheritance. Affected: yes.

Clinical Genomics, Uppaluri K&H Personalized Medicine Clinic
Classification: Likely benign for Alstrom syndrome. Review status: criteria provided, single submitter. Criteria: K & H Uppaluri Personalized Medicine Clinic Variant Classification & Assertion Criteria_Updated V.1. Collection method: research. Allele origin: unknown. Inheritance: Autosomal recessive inheritance.
Comment: Potent mutations in ALMS1 are associated with a rare condition called Alstrom syndrome. It can cause excessive eating, insulin resistance. However, no evidence is found to ascertain the role of rs28730853 in Alstrom syndrome yet.

Natera, Inc.
Classification: Benign for Alstrom syndrome. Last evaluated: 2020-09-16. Review status: no assertion criteria provided. Collection method: clinical testing. Allele origin: germline. Not counted in ClinVar's aggregate classification.

Literature cited by the submitters: PubMed 34148947 (cited by Clinical Genomics, Uppaluri K&H Personalized Medicine Clinic); PubMed 25846608 (cited by Clinical Genomics, Uppaluri K&H Personalized Medicine Clinic); PubMed 30421101 (cited by Clinical Genomics, Uppaluri K&H Personalized Medicine Clinic); PubMed 33669459 (cited by Clinical Genomics, Uppaluri K&H Personalized Medicine Clinic).